The following is an entry in ClinVar:

ClinVar aggregate classification (germline): Likely pathogenic (1 of 4 stars; one submission).

Conditions:
Methylmalonic aciduria due to methylmalonyl-CoA mutase deficiency (MAMM). Also called: Methylmalonic aciduria, mut type. Identifiers: Orphanet 27, MedGen C1855114, MONDO:0009612, OMIM 251000.

Submission:

Myriad Genetics, Inc.
Classification: Likely pathogenic for Methylmalonic aciduria due to methylmalonyl-CoA mutase deficiency. Last evaluated: 2022-02-13. Review status: criteria provided, single submitter. Criteria: Myriad Women's Health Autosomal Recessive and X-Linked Classification Criteria (2021). Collection method: clinical testing. Allele origin: unknown.
Comment: NM_000255.3(MMUT):c.1469delA(N490Ifs*11) is expected to be pathogenic in the context of methylmalonic acidemia, MMUT-related. This variant is predicted to lead to an abnormal or absent protein product due to the creation of a premature termination codon in MMUT, a gene where loss-of-function variants are known to be pathogenic. Please note: this variant was assessed in the context of healthy population screening.

NM_000255.4(MMUT):c.1469del (p.Asn490fs)

Gene: MMUT (methylmalonyl-CoA mutase; minus strand). Cytogenetic location: 6p12.3.
Variant type: Deletion.
Coding change: c.1469del on transcript NM_000255.4 (MANE Select); coding-DNA position 1469, one base deleted (A; older notation c.1469delA).
Protein change: p.Asn490fs; shifts the reading frame from asparagine 490.
Molecular consequence: frameshift variant.
Genome position (GRCh38, 1-based): chr6:49,447,761, T deleted on the plus strand (A on the coding strand, the reverse complement: MMUT is on the minus strand); the first of 3 consecutive T bases (chr6:49,447,761-49,447,763); deleting any one gives the same sequence. VCF-style (leftmost placement, unchanged base first): chr6-49447760-AT-A. GRCh37 (hg19) VCF-style: chr6-49415473-AT-A.
Other names: short protein forms N490fs.
Identifiers: ClinVar variation 1724415 (VCV001724415.2), dbSNP rs2481326952, ClinGen allele CA2580074721.